The following is an entry in ClinVar:

ClinVar aggregate classification (germline): Uncertain significance. Review status: criteria provided, multiple submitters, no conflicts (2 of 4 stars). 2 submissions from 2 submitters: Uncertain significance (2). Last evaluated 2025-10-03.

Conditions:
Werner syndrome (WRN). Identifiers: Orphanet 902, MedGen C0043119, MONDO:0010196, OMIM 277700.

Allele frequency attached by ClinVar (database versions not stated): gnomAD 0.00001; gnomAD exomes 0.00001; TOPMed 0.00002.

Submissions (2):

Labcorp Genetics (formerly Invitae), Labcorp
Classification: Uncertain significance for Werner syndrome. Last evaluated: 2025-10-03. Review status: criteria provided, single submitter. Criteria: Invitae Variant Classification Sherloc (09022015). Collection method: clinical testing. Allele origin: germline.
Comment: This sequence change replaces alanine, which is neutral and non-polar, with glutamic acid, which is acidic and polar, at codon 701 of the WRN protein (p.Ala701Glu). This variant is present in population databases (no rsID available, gnomAD 0.002%). This variant has not been reported in the literature in individuals affected with WRN-related conditions. ClinVar contains an entry for this variant (Variation ID: 458403). An algorithm developed to predict the effect of missense changes on protein structure and function (PolyPhen-2) suggests that this variant is likely to be disruptive. In summary, the available evidence is currently insufficient to determine the role of this variant in disease. Therefore, it has been classified as a Variant of Uncertain Significance.

Fulgent Genetics
Classification: Uncertain significance for Werner syndrome. Last evaluated: 2024-03-13. Review status: criteria provided, single submitter. Criteria: ACMG Guidelines, 2015. Collection method: clinical testing. Allele origin: germline.

NM_000553.6(WRN):c.2102C>A (p.Ala701Glu)

Gene: WRN (WRN RecQ like helicase; plus strand). Cytogenetic location: 8p12.
Variant type: single nucleotide variant.
Coding change: c.2102C>A on transcript NM_000553.6 (MANE Select); coding-DNA position 2102, C replaced by A.
Protein change: p.Ala701Glu; replaces alanine 701 with glutamic acid.
Molecular consequence: missense variant.
Genome position (GRCh38, 1-based): chr8:31,111,628, C>A. VCF-style: chr8-31111628-C-A. GRCh37 (hg19) VCF-style: chr8-30969144-C-A.
Other names: short protein forms A701E.
Identifiers: ClinVar variation 458403 (VCV000458403.9), dbSNP rs904972234, ClinGen allele CA174876935.